The following is an entry in ClinVar:

NM_012243.3(SLC35A3):c.217del (p.Leu73fs)

Gene: SLC35A3 (solute carrier family 35 member A3; plus strand). Cytogenetic location: 1p21.2.
Variant type: Deletion.
Coding change: c.217del on transcript NM_012243.3 (MANE Select); coding-DNA position 217, one base deleted (C; older notation c.217delC).
Protein change: p.Leu73fs; shifts the reading frame from leucine 73.
Molecular consequence: frameshift variant.
Genome position (GRCh38, 1-based): chr1:99,999,290, C deleted. VCF-style (leftmost placement, unchanged base first): chr1-99999289-AC-A. GRCh37 (hg19) VCF-style: chr1-100464845-AC-A.
Other names: c.217del, p.Leu73fs (NM_001271684.2, NM_001437713.1, NM_001437717.1 and 3 more transcripts); c.343del, p.Leu115fs (NM_001271685.2); short protein forms L115fs, L73fs.
Identifiers: ClinVar variation 5016200 (VCV005016200.1).

ClinVar aggregate classification (germline): Pathogenic (1 of 4 stars; one submission).

Conditions:
Autism spectrum disorder - epilepsy - arthrogryposis syndrome (AMRS). Identifiers: Orphanet 370943, MedGen C3809910, MONDO:0014248, OMIM 615553.

Submission:

Myriad Genetics, Inc.
Classification: Pathogenic for Autism spectrum disorder - epilepsy - arthrogryposis syndrome. Last evaluated: 2026-08-05. Review status: criteria provided, single submitter. Criteria: Myriad Autosomal Dominant, Autosomal Recessive and X-Linked Classification Criteria (2023). Collection method: clinical testing. Allele origin: unknown.
Comment: NM_001271685.1(SLC35A3):c.343delC(L115Yfs*36) is expected to be pathogenic in the context of arthrogryposis, impaired intellectual development, and seizures. This variant is predicted to lead to an abnormal or absent protein product due to the creation of a premature termination codon in SLC35A3, a gene where loss-of-function variants are known to be pathogenic. Please note: this variant was assessed in the context of healthy population screening.